The following is an entry in ClinVar:

NM_003072.5(SMARCA4):c.3443_3448delinsGGC (p.Glu1148_Phe1150delinsGlyLeu)

Gene: SMARCA4 (SWI/SNF related, matrix associated, actin dependent regulator of chromatin, subfamily a, member 4; plus strand). Cytogenetic location: 19p13.2.
Variant type: Indel.
Coding change: c.3443_3448delinsGGC on transcript NM_003072.5 (MANE Select); coding-DNA positions 3443 to 3448, AGTACT replaced by GGC.
Protein change: p.Glu1148_Phe1150delinsGlyLeu.
Molecular consequence: inframe indel. On other transcripts: non-coding transcript variant (1).
Genome position (GRCh38, 1-based): chr19:11,030,790-11,030,795, AGTACT replaced by GGC. VCF-style: chr19-11030790-AGTACT-GGC. GRCh37 (hg19) VCF-style: chr19-11141466-AGTACT-GGC.
Other names: c.3443_3448delinsGGC, p.Glu1148_Phe1150delinsGlyLeu (NM_001128844.3, NM_001128845.2, NM_001128846.2 and 5 more transcripts).
Identifiers: ClinVar variation 420526 (VCV000420526.2), dbSNP rs1064794535, ClinGen allele CA16620733.

ClinVar aggregate classification (germline): Likely pathogenic (1 of 4 stars; one submission).

Submission:

GeneDx
Classification: Likely pathogenic. Last evaluated: 2016-10-20. Review status: criteria provided, single submitter. Criteria: GeneDx Variant Classification (06012015). Collection method: clinical testing. Allele origin: germline. Affected: yes.
Comment: The c.3443_3448delAGTACTinsGGC variant in the SMARCA4 gene has not been reported previously as a disease-causing pathogenic variant nor as a benign polymorphism, to our knowledge. The c.3443_3448delAGTACTinsGGC variant causes an in-frame deletion of three amino acid residues starting with codon Glutamic Acid 1148 and inserts two incorrect amino acid residues, denoted p.Glu1148_Phe1150delinsGlyLeu. This variant occurs at a region that is conserved among species. The c.3443_3448delAGTACTinsGGC variant was not observed in approximately 6,500 individuals of European and African American ancestry in the NHLBI Exome Sequencing Project, indicating it is not a common benign variant in these populations. The c.3443_3448delAGTACTinsGGC variant is a strong candidate for a pathogenic variant.